The following is an entry in ClinVar:

NM_000059.4(BRCA2):c.8659T>C (p.Ser2887Pro)

Gene: BRCA2 (BRCA2 DNA repair associated; plus strand). Cytogenetic location: 13q13.1.
Variant type: single nucleotide variant.
Coding change: c.8659T>C on transcript NM_000059.4 (MANE Select); coding-DNA position 8659, T replaced by C.
Protein change: p.Ser2887Pro; replaces serine 2887 with proline.
Molecular consequence: missense variant.
Genome position (GRCh38, 1-based): chr13:32,376,696, T>C. VCF-style: chr13-32376696-T-C. GRCh37 (hg19) VCF-style: chr13-32950833-T-C.
Other names: short protein forms S2887P.
Identifiers: ClinVar variation 1063073 (VCV001063073.9), dbSNP rs2072874674, ClinGen allele CA387754712.
Genomic context (GRCh38, chr13:32,376,696, plus strand): 5'-GTTTAGTGAATTAATAATCCTTTTGTTTTCTTAGAAAACACAACAAAACCATATTTACCA[T>C]CACGTGCACTAACAAGACAGCAAGTTCGTGCTTTGCAAGATGGTGCAGAGCTTTATGAAG-3'
Protein context (NP_000050.3, residues 2877-2897): EENTTKPYLP[Ser2887Pro]RALTRQQVRA

ClinVar aggregate classification (germline): Uncertain significance (1 of 4 stars; one submission).

Conditions:
Hereditary breast ovarian cancer syndrome. Also called: Hereditary breast and ovarian cancer syndrome (HBOC); Breast and ovarian cancer; Hereditary breast and/or ovarian cancer syndrome; BRCA1- and BRCA2-Associated Hereditary Breast and Ovarian Cancer; Hereditary breast and ovarian cancer syndrome; Hereditary breast and ovarian cancer. Identifiers: Orphanet 145, MedGen C0677776, MeSH D061325, MONDO:0003582. Disease mechanism: loss of function.

Submission:

Labcorp Genetics (formerly Invitae), Labcorp
Classification: Uncertain significance for Hereditary breast ovarian cancer syndrome. Last evaluated: 2020-09-25. Review status: criteria provided, single submitter. Criteria: Invitae Variant Classification Sherloc (09022015). Collection method: clinical testing. Allele origin: germline.
Comment: In summary, the available evidence is currently insufficient to determine the role of this variant in disease. Therefore, it has been classified as a Variant of Uncertain Significance. Advanced modeling of protein sequence and biophysical properties (such as structural, functional, and spatial information, amino acid conservation, physicochemical variation, residue mobility, and thermodynamic stability) performed at Invitae indicates that this missense variant is not expected to disrupt BRCA2 protein function. This variant has not been reported in the literature in individuals with BRCA2-related conditions. This variant is not present in population databases (ExAC no frequency). This sequence change replaces serine with proline at codon 2887 of the BRCA2 protein (p.Ser2887Pro). The serine residue is moderately conserved and there is a moderate physicochemical difference between serine and proline.